The following is an entry in ClinVar:

NM_000400.4(ERCC2):c.887G>A (p.Ser296Asn)

Gene: ERCC2 (ERCC excision repair 2, TFIIH core complex helicase subunit; minus strand). Cytogenetic location: 19q13.32.
Variant type: single nucleotide variant.
Coding change: c.887G>A on transcript NM_000400.4 (MANE Select); coding-DNA position 887, G replaced by A.
Protein change: p.Ser296Asn; replaces serine 296 with asparagine.
Molecular consequence: missense variant.
Genome position (GRCh38, 1-based): chr19:45,364,048, C>T on the plus strand (G>A on the coding strand, the complement: ERCC2 is on the minus strand). VCF-style: chr19-45364048-C-T. GRCh37 (hg19) VCF-style: chr19-45867306-C-T.
Other names: c.815G>A, p.Ser272Asn (NM_001130867.2); short protein forms S272N, S296N.
Identifiers: ClinVar variation 2566687 (VCV002566687.2), dbSNP rs2514029892, ClinGen allele CA406373544.

ClinVar aggregate classification (germline): Uncertain significance (1 of 4 stars; one submission).

Conditions:
Inborn genetic diseases. Identifiers: MedGen C0950123, MeSH D030342.

Submission:

Ambry Genetics
Classification: Uncertain significance for Inborn genetic diseases. Last evaluated: 2023-04-13. Review status: criteria provided, single submitter. Criteria: Ambry Variant Classification Scheme 2023. Collection method: clinical testing. Allele origin: germline.
Comment: The p.S296N variant (also known as c.887G>A), located in coding exon 10 of the ERCC2 gene, results from a G to A substitution at nucleotide position 887. The serine at codon 296 is replaced by asparagine, an amino acid with highly similar properties. This amino acid position is conserved. In addition, this alteration is predicted to be tolerated by in silico analysis. Since supporting evidence is limited at this time, the clinical significance of this alteration remains unclear.